The following is an entry in ClinVar:

NM_032242.4(PLXNA1):c.3666G>A (p.Arg1222=)

Gene: PLXNA1 (plexin A1; plus strand). Cytogenetic location: 3q21.3.
Variant type: single nucleotide variant.
Coding change: c.3666G>A on transcript NM_032242.4 (MANE Select); coding-DNA position 3666, G replaced by A.
Protein change: p.Arg1222=; no amino-acid change (arginine 1222 retained).
Molecular consequence: synonymous variant.
Genome position (GRCh38, 1-based): chr3:127,018,299, G>A. VCF-style: chr3-127018299-G-A. GRCh37 (hg19) VCF-style: chr3-126737142-G-A.
Identifiers: ClinVar variation 1606964 (VCV001606964.32), dbSNP rs148887289, ClinGen allele CA2594117.

ClinVar aggregate classification (germline): Benign/Likely benign. Review status: criteria provided, multiple submitters, no conflicts (2 of 4 stars). 2 submissions from 2 submitters: Benign (1); Likely benign (1). Last evaluated 2026-01-05.

Allele frequency attached by ClinVar (database versions not stated): 1000 Genomes Project 0.00020; 1000 Genomes Project 30x 0.00031; gnomAD 0.00059 and 0.00061; TOPMed 0.00059; gnomAD exomes 0.00067; ESP Exome Variant Server 0.00092; ExAC 0.00126.
gnomAD v4.1: 978 of 1,600,882 alleles (0.061%); highest among the groups gnomAD compares: Middle Eastern, 0.075%; 2 homozygotes.

Submissions (2):

Labcorp Genetics (formerly Invitae), Labcorp
Classification: Benign. Last evaluated: 2026-01-05. Review status: criteria provided, single submitter. Criteria: Invitae Variant Classification Sherloc (09022015). Collection method: clinical testing. Allele origin: germline.

CeGaT Center for Human Genetics Tuebingen
Classification: Likely benign. Last evaluated: 2022-11-01. Review status: criteria provided, single submitter. Criteria: CeGaT Center For Human Genetics Tuebingen Variant Classification Criteria Version 2. Collection method: clinical testing. Allele origin: germline. Affected: yes. Observed: 1 variant allele.
Comment: PLXNA1: BP4, BP7